The following is an entry in ClinVar:

ClinVar aggregate classification (germline): Likely pathogenic (1 of 4 stars; one submission).

Conditions:
ANK2-related disorder. Also called: ANK2-related condition.

Submission:

PreventionGenetics, part of Exact Sciences
Classification: Likely pathogenic for ANK2-related condition. Last evaluated: 2025-10-16. Review status: criteria provided, single submitter. Criteria: ACMG Guidelines, 2015. Collection method: clinical testing. Allele origin: germline.
Comment: The ANK2 c.5146delG variant is predicted to result in a frameshift and premature protein termination (p.Glu1716Argfs*22). To our knowledge, this variant has not been reported in the literature or in a large population database (gnomAD), indicating this variant is rare. Frameshift variants in ANK2 are expected to be pathogenic. This variant is interpreted as likely pathogenic.

NM_001148.6(ANK2):c.5146del (p.Glu1716fs)

Gene: ANK2 (ankyrin 2; plus strand). Cytogenetic location: 4q26.
Variant type: Deletion.
Coding change: c.5146del on transcript NM_001148.6 (MANE Select); coding-DNA position 5146, one base deleted (G; older notation c.5146delG).
Protein change: p.Glu1716fs; shifts the reading frame from glutamic acid 1716.
Molecular consequence: frameshift variant. On other transcripts: intron variant (68).
Genome position (GRCh38, 1-based): chr4:113,353,764, G deleted. VCF-style (leftmost placement, unchanged base first): chr4-113353763-AG-A. GRCh37 (hg19) VCF-style: chr4-114274919-AG-A.
Other names: c.4912del, p.Glu1638fs (NM_001386142.1); c.1546del, p.Glu516fs (NM_001386166.1); c.5287del, p.Glu1763fs (NM_001386174.1); c.5263del, p.Glu1755fs (NM_001386175.1); c.4411+3515del (NM_001386186.2, NM_001386148.2); c.4213+3515del (NM_001354269.3); c.4291+3515del (NM_001386187.2); c.4252+3515del (NM_001386147.1); and 35 more; short protein forms E1763fs, E1638fs, E1716fs, E516fs, E1755fs.
Identifiers: ClinVar variation 4992569 (VCV004992569.1).